The following is an entry in ClinVar:

ClinVar aggregate classification (germline): not provided (0 of 4 stars; one submission).

Conditions:
C3 glomerulonephritis. Also called: C3 GLOMERULOPATHY 3; Nephropathy due to CFHR5 Deficiency. Identifiers: Orphanet 329931, MedGen C4055342, MONDO:0013892, OMIM 614809.

Submission:

John Atkinson Laboratory, Washington University School of Medicine in St. Louis
No classification provided. Condition: C3 glomerulonephritis. Review status: no classification provided. Collection method: literature only. Allele origin: germline. Affected: yes.
Comment: This complex structural variant was identified in patient 2870 (family ID 1876) from PMID:34211499.

Literature cited by the submitters: PubMed 34211499.

Single allele

Genes: CFHR1 (complement factor H related 1; plus strand), CFHR3 (complement factor H related 3; plus strand). Cytogenetic location: 1q31.3.
Variant type: Complex.
Identifiers: ClinVar variation 4526699 (VCV004526699.1).